The following is an entry in ClinVar:

ClinVar aggregate classification (germline): Likely pathogenic (1 of 4 stars; one submission).

Submission:

CeGaT Center for Human Genetics Tuebingen
Classification: Likely pathogenic. Last evaluated: 2022-04-01. Review status: criteria provided, single submitter. Criteria: CeGaT Center For Human Genetics Tuebingen Variant Classification Criteria Version 2. Collection method: clinical testing. Allele origin: germline. Affected: yes. Observed: 1 variant allele.
Comment: SNORD118: PM2, PM3, PM5

NC_000017.11:g.8173443C>T

Genes: SNORD118 (small nucleolar RNA, C/D box 118; minus strand), TMEM107 (transmembrane protein 107; minus strand). Cytogenetic location: 17p13.1.
Variant type: single nucleotide variant.
Molecular consequence: 3 prime UTR variant (on NM_183065.4). On other transcripts: non-coding transcript variant (1).
Genome position: GRCh38 VCF-style: chr17-8173443-C-T. GRCh37 (hg19) VCF-style: chr17-8076761-C-T.
Other names: c.*760G>A (NM_001351278.2, NM_001351279.2, NM_001351280.2 and 2 more transcripts).
Identifiers: ClinVar variation 1694828 (VCV001694828.31), dbSNP rs116395281, ClinGen allele CA8370540.